The following is an entry in ClinVar:

ClinVar aggregate classification (germline): Benign/Likely benign. Review status: criteria provided, multiple submitters, no conflicts (2 of 4 stars). 2 submissions from 2 submitters: Benign (1); Likely benign (1). Last evaluated 2024-02-29.

Conditions:
Hereditary cancer-predisposing syndrome. Also called: Tumor predisposition; Hereditary Cancer Syndrome; Neoplastic Syndromes, Hereditary; Hereditary neoplastic syndrome. Identifiers: Orphanet 140162, MedGen C0027672, MeSH D009386, MONDO:0015356.
Familial adenomatous polyposis 1 (FAP1). Also called: FAMILIAL ADENOMATOUS POLYPOSIS 1, ATTENUATED; POLYPOSIS, ADENOMATOUS INTESTINAL. Identifiers: MedGen C2713442, MONDO:0021056, OMIM 175100. Disease mechanism: loss of function.

Submissions (2):

Myriad Genetics, Inc.
Classification: Benign for Familial adenomatous polyposis 1. Last evaluated: 2024-02-29. Review status: criteria provided, single submitter. Criteria: Myriad Autosomal Dominant, Autosomal Recessive and X-Linked Classification Criteria (2023). Collection method: clinical testing. Allele origin: unknown.
Comment: This variant is considered benign. This variant is a silent/synonymous amino acid change and it is not expected to impact splicing.

Ambry Genetics
Classification: Likely benign for Hereditary cancer-predisposing syndrome. Last evaluated: 2020-03-16. Review status: criteria provided, single submitter. Criteria: Ambry Variant Classification Scheme 2023. Collection method: clinical testing. Allele origin: germline.

NM_000038.6(APC):c.1104A>T (p.Val368=)

Gene: APC (APC regulator of Wnt signaling pathway; plus strand). Cytogenetic location: 5q22.2.
Variant type: single nucleotide variant.
Coding change: c.1104A>T on transcript NM_000038.6 (MANE Select); coding-DNA position 1104, A replaced by T.
Protein change: p.Val368=; no amino-acid change (valine 368 retained).
Molecular consequence: synonymous variant. On other transcripts: non-coding transcript variant (2), intron variant (15).
Genome position (GRCh38, 1-based): chr5:112,819,136, A>T. VCF-style: chr5-112819136-A-T. GRCh37 (hg19) VCF-style: chr5-112154833-A-T.
Other names: c.1104A>T, p.Val368= (NM_001127510.3, NM_001354895.2, NM_001354896.2 and 4 more transcripts); c.1050A>T, p.Val350= (NM_001127511.3); c.1134A>T, p.Val378= (NM_001354897.2, NM_001407446.1); c.1029A>T, p.Val343= (NM_001354898.2, NM_001407451.1); c.1020A>T, p.Val340= (NM_001354899.2, NM_001407452.1); c.927A>T, p.Val309= (NM_001354900.2, NM_001354901.2, NM_001407453.1); c.255A>T, p.Val85= (NM_001354906.2, NM_001407470.1); c.85-133A>T (NM_001407472.1, NM_001407471.1); and 5 more.
Identifiers: ClinVar variation 1793181 (VCV001793181.2), dbSNP rs752507116, ClinGen allele CA445960275.